The following is an entry in ClinVar:

ClinVar aggregate classification (germline): Pathogenic (1 of 4 stars; one submission).

Conditions:
Hereditary cancer-predisposing syndrome. Also called: Neoplastic Syndromes, Hereditary; Tumor predisposition; Hereditary Cancer Syndrome; Hereditary neoplastic syndrome. Identifiers: Orphanet 140162, MedGen C0027672, MeSH D009386, MONDO:0015356.

Submission:

Ambry Genetics
Classification: Pathogenic for Hereditary cancer-predisposing syndrome. Last evaluated: 2015-04-06. Review status: criteria provided, single submitter. Criteria: Ambry Variant Classification Scheme 2023. Collection method: clinical testing. Allele origin: germline.
Comment: The c.5973delG pathogenic mutation, located in coding exon 15 of the APC gene, results from a deletion of one nucleotide at nucleotide position 5973, causing a translational frameshift with a predicted alternate stop codon. Since frameshifts are typically deleterious in nature, this alteration is interpreted as a disease-causing mutation (ACMG Recommendations for Standards for Interpretation and Reporting of Sequence Variations. Revision 2007. Genet Med. 2008;10:294).

NM_000038.6(APC):c.5973del (p.Glu1991fs)

Gene: APC (APC regulator of Wnt signaling pathway; plus strand). Cytogenetic location: 5q22.2.
Variant type: Deletion.
Coding change: c.5973del on transcript NM_000038.6 (MANE Select); coding-DNA position 5973, one base deleted (G; older notation c.5973delG).
Protein change: p.Glu1991fs; shifts the reading frame from glutamic acid 1991.
Molecular consequence: frameshift variant.
Genome position (GRCh38, 1-based): chr5:112,841,567, G deleted. VCF-style (leftmost placement, unchanged base first): chr5-112841566-AG-A. GRCh37 (hg19) VCF-style: chr5-112177263-AG-A.
Other names: c.5973del, p.Glu1991fs (NM_001127510.3, NM_001354895.2); c.5919del, p.Glu1973fs (NM_001127511.3); c.6027del, p.Glu2009fs (NM_001354896.2); c.6003del, p.Glu2001fs (NM_001354897.2); c.5898del, p.Glu1966fs (NM_001354898.2); c.5889del, p.Glu1963fs (NM_001354899.2); c.5850del, p.Glu1950fs (NM_001354900.2); c.5796del, p.Glu1932fs (NM_001354901.2); and 5 more; short protein forms E1900fs, E1950fs, E2009fs, E1708fs, E1831fs, E1890fs, E1932fs, E1966fs.
Identifiers: ClinVar variation 231195 (VCV000231195.5), dbSNP rs876659015, ClinGen allele CA10578416.